The following is an entry in ClinVar:

ClinVar aggregate classification (germline): Uncertain significance. Review status: criteria provided, multiple submitters, no conflicts (2 of 4 stars). 2 submissions from 2 submitters: Uncertain significance (2). Last evaluated 2026-09-01.

gnomAD v4.1: 423 of 1,548,476 alleles (0.027%); highest among the groups gnomAD compares: Non-Finnish European, 0.034%; no homozygotes.

Submissions (2):

CeGaT Center for Human Genetics Tuebingen
Classification: Uncertain significance. Last evaluated: 2026-09-01. Review status: criteria provided, single submitter. Criteria: CeGaT Center For Human Genetics Tuebingen Variant Classification Criteria Version 2. Collection method: clinical testing. Allele origin: germline. Affected: yes. Observed: 2 variant alleles.
Comment: TGFB1: PM2

Labcorp Genetics (formerly Invitae), Labcorp
Classification: Uncertain significance. Last evaluated: 2026-01-18. Review status: criteria provided, single submitter. Criteria: Invitae Variant Classification Sherloc (09022015). Collection method: clinical testing. Allele origin: germline.
Comment: This sequence change replaces glycine, which is neutral and non-polar, with alanine, which is neutral and non-polar, at codon 29 of the TGFB1 protein (p.Gly29Ala). This variant is present in population databases (rs199758510, gnomAD 0.03%). This missense change has been observed in individual(s) with otosclerosis (PMID: 19207109). ClinVar contains an entry for this variant (Variation ID: 1461638). An algorithm developed to predict the effect of missense changes on protein structure and function (PolyPhen-2) suggests that this variant is likely to be tolerated. In summary, the available evidence is currently insufficient to determine the role of this variant in disease. Therefore, it has been classified as a Variant of Uncertain Significance.

Literature cited by the submitters: PubMed 19207109 (cited by Labcorp Genetics (formerly Invitae), Labcorp).

NM_000660.7(TGFB1):c.86G>C (p.Gly29Ala)

Gene: TGFB1 (transforming growth factor beta 1; minus strand). Cytogenetic location: 19q13.2.
Variant type: single nucleotide variant.
Coding change: c.86G>C on transcript NM_000660.7 (MANE Select); coding-DNA position 86, G replaced by C.
Protein change: p.Gly29Ala; replaces glycine 29 with alanine.
Molecular consequence: missense variant.
Genome position (GRCh38, 1-based): chr19:41,352,959, C>G on the plus strand (G>C on the coding strand, the complement: TGFB1 is on the minus strand). VCF-style: chr19-41352959-C-G. GRCh37 (hg19) VCF-style: chr19-41858864-C-G.
Other names: short protein forms G29A.
Identifiers: ClinVar variation 1461638 (VCV001461638.28), dbSNP rs199758510, ClinGen allele CA9460174.
Genomic context (GRCh38, chr19:41,352,959, plus strand): 5'-ATGGCCTCGATGCGCTTCCGCTTCACCAGCTCCATGTCGATAGTCTTGCAGGTGGATAGT[C>G]CCGCGGCCGGCCGGCCAGGCGTCAGCACCAGTAGCCACAGCAGCGGTAGCAGCAGCGGCA-3'
Protein context (NP_000651.3, residues 19-39): LVLTPGRPAA[Gly29Ala]LSTCKTIDME